The following is an entry in ClinVar:

ClinVar aggregate classification (germline): Uncertain significance. Review status: criteria provided, multiple submitters, no conflicts (2 of 4 stars). 2 submissions from 2 submitters: Uncertain significance (2). Last evaluated 2025-05-17.

gnomAD v4.1: 80 of 1,613,348 alleles (0.005%); highest among the groups gnomAD compares: Non-Finnish European, 0.0059%; no homozygotes.

Submissions (2):

GeneDx
Classification: Uncertain significance. Last evaluated: 2025-05-17. Review status: criteria provided, single submitter. Criteria: GeneDx Variant Classification Process June 2021. Collection method: clinical testing. Allele origin: germline. Affected: yes.
Comment: Not observed at significant frequency in large population cohorts (gnomAD); In silico analysis suggests that this missense variant does not alter protein structure/function; Has not been previously published as pathogenic or benign to our knowledge

Blueprint Genetics
Classification: Uncertain significance. Last evaluated: 2024-06-27. Review status: criteria provided, single submitter. Criteria: ACMG Guidelines, 2015. Collection method: clinical testing. Allele origin: germline.

NM_016239.4(MYO15A):c.1117G>A (p.Gly373Arg)

Gene: MYO15A (myosin XVA; plus strand). Cytogenetic location: 17p11.2.
Variant type: single nucleotide variant.
Coding change: c.1117G>A on transcript NM_016239.4 (MANE Select); coding-DNA position 1117, G replaced by A.
Protein change: p.Gly373Arg; replaces glycine 373 with arginine.
Molecular consequence: missense variant.
Genome position (GRCh38, 1-based): chr17:18,119,917, G>A. VCF-style: chr17-18119917-G-A. GRCh37 (hg19) VCF-style: chr17-18023231-G-A.
Other names: short protein forms G373R.
Identifiers: ClinVar variation 4531069 (VCV004531069.2).